The following is an entry in ClinVar:

ClinVar aggregate classification (germline): Uncertain significance (1 of 4 stars; one submission).

Conditions:
Fucosidosis. Also called: ALPHA-L-FUCOSIDASE DEFICIENCY. Identifiers: Orphanet 349, MedGen C0016788, MONDO:0009254, OMIM 230000.

Submission:

Labcorp Genetics (formerly Invitae), Labcorp
Classification: Uncertain significance for Fucosidosis. Last evaluated: 2022-03-18. Review status: criteria provided, single submitter. Criteria: Invitae Variant Classification Sherloc (09022015). Collection method: clinical testing. Allele origin: germline.
Comment: In summary, the available evidence is currently insufficient to determine the role of this variant in disease. Therefore, it has been classified as a Variant of Uncertain Significance. Algorithms developed to predict the effect of missense changes on protein structure and function (SIFT, PolyPhen-2, Align-GVGD) all suggest that this variant is likely to be tolerated. This variant has not been reported in the literature in individuals affected with FUCA1-related conditions. This variant is not present in population databases (gnomAD no frequency). This sequence change replaces serine, which is neutral and polar, with alanine, which is neutral and non-polar, at codon 417 of the FUCA1 protein (p.Ser417Ala).

NM_000147.5(FUCA1):c.1249T>G (p.Ser417Ala)

Gene: FUCA1 (alpha-L-fucosidase 1; minus strand). Cytogenetic location: 1p36.11.
Variant type: single nucleotide variant.
Coding change: c.1249T>G on transcript NM_000147.5 (MANE Select); coding-DNA position 1249, T replaced by G.
Protein change: p.Ser417Ala; replaces serine 417 with alanine.
Molecular consequence: missense variant. On other transcripts: non-coding transcript variant (4).
Genome position (GRCh38, 1-based): chr1:23,846,085, A>C on the plus strand (T>G on the coding strand, the complement: FUCA1 is on the minus strand). VCF-style: chr1-23846085-A-C. GRCh37 (hg19) VCF-style: chr1-24172575-A-C.
Other names: short protein forms S417A.
Identifiers: ClinVar variation 2113526 (VCV002113526.4), dbSNP rs2521617668, ClinGen allele CA339034313.